The following is an entry in ClinVar:

NM_000051.4(ATM):c.6125G>A (p.Trp2042Ter)

Genes: ATM (ATM serine/threonine kinase; plus strand), C11orf65 (chromosome 11 open reading frame 65; minus strand). Cytogenetic location: 11q22.3.
Variant type: single nucleotide variant.
Coding change: c.6125G>A on transcript NM_000051.4 (MANE Select); coding-DNA position 6125, G replaced by A.
Protein change: p.Trp2042Ter; replaces tryptophan 2042 with a stop codon.
Molecular consequence: nonsense. On other transcripts: intron variant (2).
Genome position (GRCh38, 1-based): chr11:108,316,040, G>A. VCF-style: chr11-108316040-G-A. GRCh37 (hg19) VCF-style: chr11-108186767-G-A.
Other names: c.641-6969C>T (NM_001330368.2); c.*39-6969C>T (NM_001351110.2); c.6125G>A, p.Trp2042Ter (NM_001351834.2); short protein forms W2042*.
Identifiers: ClinVar variation 1378485 (VCV001378485.7), dbSNP rs1565499657, ClinGen allele CA382550442.

ClinVar aggregate classification (germline): Pathogenic (1 of 4 stars; one submission).

Conditions:
Ataxia-telangiectasia syndrome (AT). Also called: Ataxia-telangiectasia; LOUIS-BAR SYNDROME; Ataxia-telangiectasia, complementation group D; AT, COMPLEMENTATION GROUP C; ATAXIA-TELANGIECTASIA, COMPLEMENTATION GROUP A; ATAXIA-TELANGIECTASIA, FRESNO VARIANT. Identifiers: Orphanet 100, MedGen C0004135, MONDO:0008840, OMIM 208900.

Submission:

Labcorp Genetics (formerly Invitae), Labcorp
Classification: Pathogenic for Ataxia-telangiectasia syndrome. Last evaluated: 2022-10-16. Review status: criteria provided, single submitter. Criteria: Invitae Variant Classification Sherloc (09022015). Collection method: clinical testing. Allele origin: germline.
Comment: For these reasons, this variant has been classified as Pathogenic. ClinVar contains an entry for this variant (Variation ID: 1378485). This variant has not been reported in the literature in individuals affected with ATM-related conditions. This variant is not present in population databases (gnomAD no frequency). This sequence change creates a premature translational stop signal (p.Trp2042*) in the ATM gene. It is expected to result in an absent or disrupted protein product. Loss-of-function variants in ATM are known to be pathogenic (PMID: 23807571, 25614872).

Literature cited by the submitters: PubMed 23807571; PubMed 25614872.